The following is an entry in ClinVar:

NM_003579.4(RAD54L):c.1574C>T (p.Thr525Ile)

Gene: RAD54L (RAD54 like; plus strand). Cytogenetic location: 1p34.1.
Variant type: single nucleotide variant.
Coding change: c.1574C>T on transcript NM_003579.4 (MANE Select); coding-DNA position 1574, C replaced by T.
Protein change: p.Thr525Ile; replaces threonine 525 with isoleucine.
Molecular consequence: missense variant.
Genome position (GRCh38, 1-based): chr1:46,273,711, C>T. VCF-style: chr1-46273711-C-T. GRCh37 (hg19) VCF-style: chr1-46739383-C-T.
Other names: c.1574C>T, p.Thr525Ile (NM_001142548.2); c.1034C>T, p.Thr345Ile (NM_001370766.1); short protein forms T345I, T525I.
Identifiers: ClinVar variation 1775554 (VCV001775554.3), dbSNP rs2148302138, ClinGen allele CA340182587.
Genomic context (GRCh38, chr1:46,273,711, plus strand): 5'-TGGCGGTGACCCGAAGCCGTAGCAGTGACAAAGTAGTGCTGGTGTCGAATTACACCCAGA[C>T]TTTGGATCTCTTTGAGAAGCTGTGCCGTGCCCGAAGGTAGGGAAGATCCTAACCAGGATG-3'
Protein context (NP_003570.2, residues 515-535): KVVLVSNYTQ[Thr525Ile]LDLFEKLCRA

ClinVar aggregate classification (germline): Uncertain significance (1 of 4 stars; one submission).

Allele frequency attached by ClinVar (database versions not stated): gnomAD exomes below 0.00001.
gnomAD v4.1: 2 of 1,612,488 alleles (0.00012%); highest among the groups gnomAD compares: Non-Finnish European, 0.00017%; no homozygotes.

Submission:

Ambry Genetics
Classification: Uncertain significance. Last evaluated: 2024-07-07. Review status: criteria provided, single submitter. Criteria: Ambry Variant Classification Scheme 2023. Collection method: clinical testing. Allele origin: germline.
Comment: The p.T525I variant (also known as c.1574C>T), located in coding exon 14 of the RAD54L gene, results from a C to T substitution at nucleotide position 1574. The threonine at codon 525 is replaced by isoleucine, an amino acid with similar properties. This amino acid position is conserved. In addition, this alteration is predicted to be deleterious by in silico analysis. Since supporting evidence is limited at this time, the clinical significance of this alteration remains unclear.